The following is an entry in ClinVar:

NM_015214.3(DDHD2):c.502-9C>T

Gene: DDHD2 (DDHD domain containing 2; plus strand). Cytogenetic location: 8p11.23.
Variant type: single nucleotide variant.
Coding change: c.502-9C>T on transcript NM_015214.3 (MANE Select); 9 bases into the intron before coding-DNA position 502, C replaced by T.
Molecular consequence: intron variant.
Genome position (GRCh38, 1-based): chr8:38,238,080, C>T. VCF-style: chr8-38238080-C-T. GRCh37 (hg19) VCF-style: chr8-38095598-C-T.
Other names: c.502-9C>T (NM_001362914.2, NM_001362913.2, NM_001362912.2 and 3 more transcripts).
Identifiers: ClinVar variation 698681 (VCV000698681.9), dbSNP rs375704564, ClinGen allele CA4716001.
Genomic context (GRCh38, chr8:38,238,080, plus strand): 5'-TAAAACTGCATTGTATAGAGATGATTGTATTGCAGAATATTTTTATTGCTCTGATCTGTT[C>T]TGTTTAAGCTTATGGTGCATTACCAGCCAGTTGCAGGGTCTGATGATTGGGGTTCAACAC-3'

ClinVar aggregate classification (germline): Likely benign. Review status: criteria provided, single submitter (1 of 4 stars). 2 submissions from 2 submitters: Likely benign (1). 1 of the submissions does not count toward it. Last evaluated 2025-05-13.

Conditions:
Hereditary spastic paraplegia 54. Also called: Spastic paraplegia 54, autosomal recessive. Identifiers: Orphanet 320380, MedGen C3539495, MONDO:0014018, OMIM 615033.
DDHD2-related disorder. Also called: DDHD2-related condition.

Allele frequency attached by ClinVar (database versions not stated): ESP Exome Variant Server 0.00015; gnomAD exomes 0.00001 and 0.00006; gnomAD 0.00019 and 0.00023; TOPMed 0.00021; ExAC 0.00003.
gnomAD v4.1: 50 of 1,600,440 alleles (0.0031%); highest among the groups gnomAD compares: African/African-American, 0.059%; no homozygotes.

Submissions (2):

Labcorp Genetics (formerly Invitae), Labcorp
Classification: Likely benign for Hereditary spastic paraplegia 54. Last evaluated: 2025-05-13. Review status: criteria provided, single submitter. Criteria: Invitae Variant Classification Sherloc (09022015). Collection method: clinical testing. Allele origin: germline.

PreventionGenetics, part of Exact Sciences
Classification: Likely benign for DDHD2-related condition. Last evaluated: 2022-08-09. Review status: no assertion criteria provided. Collection method: clinical testing. Allele origin: germline. Not counted in ClinVar's aggregate classification.
Comment: This variant is classified as likely benign based on ACMG/AMP sequence variant interpretation guidelines (Richards et al. 2015 PMID: 25741868, with internal and published modifications).